The following is an entry in ClinVar:

ClinVar aggregate classification (germline): Uncertain significance (1 of 4 stars; one submission).

Conditions:
Early-infantile DEE. Also called: Ohtahara syndrome; Early infantile epileptic encephalopathy; Early infantile epileptic encephalopathy with suppression bursts. Identifiers: Orphanet 1934, MedGen C0393706, MONDO:0800491.

gnomAD v4.1: 5 of 1,610,874 alleles (0.00031%); highest among the groups gnomAD compares: Non-Finnish European, 0.00042%; no homozygotes.

Submission:

Labcorp Genetics (formerly Invitae), Labcorp
Classification: Uncertain significance for Early-infantile DEE. Last evaluated: 2025-02-24. Review status: criteria provided, single submitter. Criteria: Invitae Variant Classification Sherloc (09022015). Collection method: clinical testing. Allele origin: germline.
Comment: This sequence change replaces arginine, which is basic and polar, with glycine, which is neutral and non-polar, at codon 181 of the SLC25A22 protein (p.Arg181Gly). This variant is not present in population databases (gnomAD no frequency). This variant has not been reported in the literature in individuals affected with SLC25A22-related conditions. ClinVar contains an entry for this variant (Variation ID: 568886). Invitae Evidence Modeling of protein sequence and biophysical properties (such as structural, functional, and spatial information, amino acid conservation, physicochemical variation, residue mobility, and thermodynamic stability) indicates that this missense variant is not expected to disrupt SLC25A22 protein function with a negative predictive value of 80%. In summary, the available evidence is currently insufficient to determine the role of this variant in disease. Therefore, it has been classified as a Variant of Uncertain Significance.

NM_001191061.2(SLC25A22):c.541C>G (p.Arg181Gly)

Gene: SLC25A22 (solute carrier family 25 member 22; minus strand). Cytogenetic location: 11p15.5.
Variant type: single nucleotide variant.
Coding change: c.541C>G on transcript NM_001191061.2 (MANE Select); coding-DNA position 541, C replaced by G.
Protein change: p.Arg181Gly; replaces arginine 181 with glycine.
Molecular consequence: missense variant.
Genome position (GRCh38, 1-based): chr11:792,599, G>C on the plus strand (C>G on the coding strand, the complement: SLC25A22 is on the minus strand). VCF-style: chr11-792599-G-C. GRCh37 (hg19) VCF-style: chr11-792599-G-C.
Other names: c.541C>G, p.Arg181Gly (NM_001191060.2, NM_024698.6); short protein forms R181G.
Identifiers: ClinVar variation 568886 (VCV000568886.6), dbSNP rs374216522, ClinGen allele CA378969647.